The following is an entry in ClinVar:

ClinVar aggregate classification (germline): Pathogenic (1 of 4 stars; one submission).

Conditions:
Alport syndrome. Also called: Hemorrhagic familial nephritis; Hemorrhagic hereditary nephritis; Congenital hereditary hematuria. Identifiers: Orphanet 63, MedGen C1567741, MONDO:0018965.

Submission:

Myriad Genetics, Inc.
Classification: Pathogenic for Alport syndrome. Last evaluated: 2023-09-27. Review status: criteria provided, single submitter. Criteria: Myriad Autosomal Dominant, Autosomal Recessive and X-Linked Classification Criteria (2023). Collection method: clinical testing. Allele origin: unknown.
Comment: NM_000092.4(COL4A4):c.3531dupC(G1178Rfs*12) is expected to be pathogenic in the context of Alport syndrome, COL4A4-related. This variant is predicted to lead to an abnormal or absent protein product due to the creation of a premature termination codon in COL4A4, a gene where loss-of-function variants are known to be pathogenic. Please note: this variant was assessed in the context of healthy population screening.

NM_000092.5(COL4A4):c.3531dup (p.Gly1178fs)

Gene: COL4A4 (collagen type IV alpha 4 chain; minus strand). Cytogenetic location: 2q36.3.
Variant type: Duplication.
Coding change: c.3531dup on transcript NM_000092.5 (MANE Select); coding-DNA position 3531, one base duplicated (C; older notation c.3531dupC).
Protein change: p.Gly1178fs; shifts the reading frame from glycine 1178.
Molecular consequence: frameshift variant.
Genome position (GRCh38, 1-based): chr2:227,033,456, G duplicated on the plus strand (C on the coding strand, the reverse complement: COL4A4 is on the minus strand). VCF-style (leftmost placement, unchanged base first): chr2-227033455-C-CG. GRCh37 (hg19) VCF-style: chr2-227898171-C-CG.
Other names: short protein forms G1178fs.
Identifiers: ClinVar variation 5011996 (VCV005011996.1).